The following is an entry in ClinVar:

ClinVar aggregate classification (germline): Benign (1 of 4 stars; one submission).

Conditions:
Cutis laxa with osteodystrophy (ARCL2A). Also called: CUTIS LAXA WITH CONGENITAL DISORDER OF GLYCOSYLATION; Autosomal recessive cutis laxa type 2A; CUTIS LAXA, AUTOSOMAL RECESSIVE, TYPE IIA; Debré-Type Cutis Laxa; CUTIS LAXA WITH BONE DYSTROPHY; CUTIS LAXA WITH GROWTH AND DEVELOPMENTAL DELAY. Identifiers: Orphanet 357058, MedGen C0268355, MONDO:0018163, OMIM 219200. Disease mechanism: loss of function.

Allele frequency attached by ClinVar (database versions not stated): 1000 Genomes Project 30x 0.00906; TOPMed 0.01127; 1000 Genomes Project 0.00958.

Submission:

Illumina Laboratory Services, Illumina
Classification: Benign for Cutis laxa with osteodystrophy. Last evaluated: 2018-01-13. Review status: criteria provided, single submitter. Criteria: ICSL Variant Classification Criteria 13 December 2019. Collection method: clinical testing. Allele origin: germline.
Comment: This variant was observed in the ICSL laboratory as part of a predisposition screen in an ostensibly healthy population. It had not been previously curated by ICSL or reported in the Human Gene Mutation Database (HGMD: prior to June 1st, 2018), and was therefore a candidate for classification through an automated scoring system. Utilizing variant allele frequency, disease prevalence and penetrance estimates, and inheritance mode, an automated score was calculated to assess if this variant is too frequent to cause the disease. Based on the score and internal cut-off values, a variant classified as benign is not then subjected to further curation. The score for this variant resulted in a classification of benign for this disease.

NM_012463.4(ATP6V0A2):c.*3167G>A

Gene: ATP6V0A2 (ATPase H+ transporting V0 subunit a2; plus strand). Cytogenetic location: 12q24.31.
Variant type: single nucleotide variant.
Coding change: c.*3167G>A on transcript NM_012463.4 (MANE Select); 3167 bases downstream of the stop codon, G replaced by A.
Molecular consequence: 3 prime UTR variant.
Genome position (GRCh38, 1-based): chr12:123,761,199, G>A. VCF-style: chr12-123761199-G-A. GRCh37 (hg19) VCF-style: chr12-124245746-G-A.
Identifiers: ClinVar variation 882159 (VCV000882159.4), dbSNP rs112529654, ClinGen allele CA245167876.
Genomic context (GRCh38, chr12:123,761,199, plus strand): 5'-TCAGGTGATCTACCCACCTTGGCCTCCCAAAGTGCTGGGATTACAGGCGTGAGCCACCGC[G>A]CCTGGCCCTCTGCAGTTGTTTAATAAGGCACAGAATACCTGTAGCATAGGTCAGCCTTAC-3'